The following is an entry in ClinVar:

ClinVar aggregate classification (germline): Likely pathogenic (1 of 4 stars; one submission).

Conditions:
GNPTG-mucolipidosis. Also called: ML III GAMMA; ML IIIC; MUCOLIPIDOSIS III, COMPLEMENTATION GROUP C; MUCOLIPIDOSIS III, IRANIAN VARIANT FORM; MUCOLIPIDOSIS III, VARIANT FORM; Mucolipidosis type III gamma. Identifiers: Orphanet 423470, Orphanet 577, MedGen C1854896, MONDO:0009652, OMIM 252605.

Submission:

Natera, Inc.
Classification: Likely pathogenic for Mucolipidosis III gamma. Last evaluated: 2024-02-26. Review status: criteria provided, single submitter. Criteria: Natera Variant Classification Schema (03/2026). Collection method: clinical testing. Allele origin: germline.
Comment: The c.527-2A>C variant in GNPTG is a canonical splice acceptor site variant predicted to affect pre-mRNA splicing, which may result in an abnormal transcript and altered protein product. This variant is expected to result in nonsense mediated decay, truncation, or a dysfunctional protein product. This variant is rare in the general population with a frequency below the threshold expected for the associated phenotype(s). Given the available evidence, this variant is classified as Likely Pathogenic.

NM_032520.5(GNPTG):c.527-2A>C

Gene: GNPTG (N-acetylglucosamine-1-phosphate transferase subunit gamma; plus strand). Cytogenetic location: 16p13.3.
Variant type: single nucleotide variant.
Coding change: c.527-2A>C on transcript NM_032520.5 (MANE Select); the canonical splice acceptor site of the intron before coding-DNA position 527, A replaced by C.
Molecular consequence: splice acceptor variant.
Genome position (GRCh38, 1-based): chr16:1,362,450, A>C. VCF-style: chr16-1362450-A-C. GRCh37 (hg19) VCF-style: chr16-1412451-A-C.
Identifiers: ClinVar variation 4816339 (VCV004816339.1).